The following is an entry in ClinVar:

ClinVar aggregate classification (germline): Uncertain significance (1 of 4 stars; one submission).

Conditions:
Cardiovascular phenotype. Identifiers: MedGen CN230736.

Submission:

Ambry Genetics
Classification: Uncertain significance for Cardiovascular phenotype. Last evaluated: 2022-11-04. Review status: criteria provided, single submitter. Criteria: Ambry Variant Classification Scheme 2023. Collection method: clinical testing. Allele origin: germline.
Comment: The p.V2681D variant (also known as c.8042T>A), located in coding exon 22 of the TNXB gene, results from a T to A substitution at nucleotide position 8042. The valine at codon 2681 is replaced by aspartic acid, an amino acid with highly dissimilar properties. This amino acid position is conserved. In addition, the in silico prediction for this alteration is inconclusive. Since supporting evidence is limited at this time, the clinical significance of this alteration remains unclear.

NM_001365276.2(TNXB):c.8042T>A (p.Val2681Asp)

Gene: TNXB (tenascin XB; minus strand). Cytogenetic location: 6p21.33.
Variant type: single nucleotide variant.
Coding change: c.8042T>A on transcript NM_001365276.2 (MANE Select); coding-DNA position 8042, T replaced by A.
Protein change: p.Val2681Asp; replaces valine 2681 with aspartic acid.
Molecular consequence: missense variant.
Genome position (GRCh38, 1-based): chr6:32,056,687, A>T on the plus strand (T>A on the coding strand, the complement: TNXB is on the minus strand). VCF-style: chr6-32056687-A-T. GRCh37 (hg19) VCF-style: chr6-32024464-A-T.
Other names: c.8042T>A, p.Val2681Asp (NM_019105.8); short protein forms V2681D.
Identifiers: ClinVar variation 2451112 (VCV002451112.2), dbSNP rs2483474842, ClinGen allele CA363549894.